The following is an entry in ClinVar:

ClinVar aggregate classification (germline): Uncertain significance (1 of 4 stars; one submission).

Conditions:
Emery-Dreifuss muscular dystrophy 5, autosomal dominant (EDMD5). Also called: EMERY-DREIFUSS MUSCULAR DYSTROPHY 5. Identifiers: Orphanet 261, MedGen C2751805, MONDO:0013072, OMIM 612999.

gnomAD v4.1: 13 of 1,555,426 alleles (0.00084%); highest among the groups gnomAD compares: African/African-American, 0.0015%; no homozygotes.

Submission:

Labcorp Genetics (formerly Invitae), Labcorp
Classification: Uncertain significance for Emery-Dreifuss muscular dystrophy 5, autosomal dominant. Last evaluated: 2024-02-14. Review status: criteria provided, single submitter. Criteria: Invitae Variant Classification Sherloc (09022015). Collection method: clinical testing. Allele origin: germline.
Comment: This sequence change replaces asparagine, which is neutral and polar, with serine, which is neutral and polar, at codon 378 of the SYNE2 protein (p.Asn378Ser). This variant is not present in population databases (gnomAD no frequency). This variant has not been reported in the literature in individuals affected with SYNE2-related conditions. Algorithms developed to predict the effect of missense changes on protein structure and function output the following: SIFT: "Not Available"; PolyPhen-2: "Benign"; Align-GVGD: "Not Available". The serine amino acid residue is found in multiple mammalian species, which suggests that this missense change does not adversely affect protein function. In summary, the available evidence is currently insufficient to determine the role of this variant in disease. Therefore, it has been classified as a Variant of Uncertain Significance.

NM_182914.3(SYNE2):c.1133A>G (p.Asn378Ser)

Gene: SYNE2 (spectrin repeat containing nuclear envelope protein 2; plus strand). Cytogenetic location: 14q23.2.
Variant type: single nucleotide variant.
Coding change: c.1133A>G on transcript NM_182914.3 (MANE Select); coding-DNA position 1133, A replaced by G.
Protein change: p.Asn378Ser; replaces asparagine 378 with serine.
Molecular consequence: missense variant.
Genome position (GRCh38, 1-based): chr14:63,976,567, A>G. VCF-style: chr14-63976567-A-G. GRCh37 (hg19) VCF-style: chr14-64443285-A-G.
Other names: c.1133A>G, p.Asn378Ser (NM_015180.6); short protein forms N378S.
Identifiers: ClinVar variation 2904690 (VCV002904690.3), dbSNP rs1209696045, ClinGen allele CA389954950.